The following is an entry in ClinVar:

ClinVar aggregate classification (germline): Uncertain significance (1 of 4 stars; one submission).

Conditions:
Pseudohypoaldosteronism type 2C (PHA2C). Also called: Pseudohypoaldosteronism Type IIC. Identifiers: Orphanet 757, Orphanet 88940, MedGen C1840391, MONDO:0013778, OMIM 614492.

gnomAD v4.1: 3 of 1,614,032 alleles (0.00019%); highest among the groups gnomAD compares: South Asian, 0.0033%; no homozygotes.

Submission:

Neuberg Centre For Genomic Medicine, NCGM
Classification: Uncertain significance for Pseudohypoaldosteronism type 2C. Last evaluated: 2023-06-22. Review status: criteria provided, single submitter. Criteria: ACMG Guidelines, 2015. Collection method: clinical testing. Allele origin: germline. Inheritance: Autosomal dominant inheritance. Affected: yes.
Comment: The missense c.2803C>A (p.Pro935Thr) variant in WNK1 gene has not been reported previously as a pathogenic variant nor as a benign variant, to our knowledge. The p.Pro935Thr variant is absent in gnomAD Exomes. This variant has not been submitted to the ClinVar database. Multiple lines of computational evidence (Polyphen - Possibly damaging, SIFT - Tolerated and MutationTaster - Disease causing) predicts conflicting evidence on protein structure and function for this variant. The reference amino acid at this position on WNK1 gene is predicted as conserved by GERP++ and PhyloP across 100 vertebrates. The amino acid Pro at position 935 is changed to a Thr changing protein sequence and it might alter its composition and physico-chemical properties. For these reasons, this variant has been classified as Variant of Uncertain Significance (VUS).

NM_018979.4(WNK1):c.2803C>A (p.Pro935Thr)

Gene: WNK1 (WNK lysine deficient protein kinase 1; plus strand). Cytogenetic location: 12p13.33.
Variant type: single nucleotide variant.
Coding change: c.2803C>A on transcript NM_018979.4 (MANE Select); coding-DNA position 2803, C replaced by A.
Protein change: p.Pro935Thr; replaces proline 935 with threonine.
Molecular consequence: missense variant. On other transcripts: intron variant (3).
Genome position (GRCh38, 1-based): chr12:880,002, C>A. VCF-style: chr12-880002-C-A. GRCh37 (hg19) VCF-style: chr12-989168-C-A.
Other names: c.3867+1641C>A (NM_213655.5); c.3613-719C>A (NM_001184985.2); c.2370+1641C>A (NM_014823.3); short protein forms P935T.
Identifiers: ClinVar variation 3603302 (VCV003603302.1).